The following is an entry in ClinVar:

ClinVar aggregate classification (germline): Pathogenic/Likely pathogenic. Review status: criteria provided, multiple submitters, no conflicts (2 of 4 stars). 2 submissions from 2 submitters: Pathogenic (1); Likely pathogenic (1). Last evaluated 2026-01-26.

Conditions:
Charcot-Marie-Tooth disease, type I (CMT1). Also called: Charcot-Marie-Tooth disease type 1; Charcot-Marie-Tooth, Type 1. Identifiers: Orphanet 65753, MedGen C0751036, MONDO:0019011.

Submissions (2):

Labcorp Genetics (formerly Invitae), Labcorp
Classification: Pathogenic for Charcot-Marie-Tooth disease, type I. Last evaluated: 2026-01-26. Review status: criteria provided, single submitter. Criteria: Invitae Variant Classification Sherloc (09022015). Collection method: clinical testing. Allele origin: germline.
Comment: This sequence change creates a premature translational stop signal (p.Glu91Leufs*14) in the MPZ gene. It is expected to result in an absent or disrupted protein product. Loss-of-function variants in MPZ are known to be pathogenic (PMID: 14711881). This variant is not present in population databases (gnomAD no frequency). This premature translational stop signal has been observed in individual(s) with clinical features of MPZ related conditions (PMID: 34060176; internal data). ClinVar contains an entry for this variant (Variation ID: 444185). For these reasons, this variant has been classified as Pathogenic.

CeGaT Center for Human Genetics Tuebingen
Classification: Likely pathogenic. Last evaluated: 2017-05-01. Review status: criteria provided, single submitter. Criteria: CeGaT Center For Human Genetics Tuebingen Variant Classification Criteria Version 2. Collection method: clinical testing. Allele origin: germline. Affected: yes. Observed: 1 variant allele.

Literature cited by the submitters: PubMed 14711881 (cited by Labcorp Genetics (formerly Invitae), Labcorp); PubMed 34060176 (cited by Labcorp Genetics (formerly Invitae), Labcorp).

NM_000530.8(MPZ):c.266_270dup (p.Glu91fs)

Gene: MPZ (myelin protein zero; minus strand). Cytogenetic location: 1q23.3.
Variant type: Duplication.
Coding change: c.266_270dup on transcript NM_000530.8 (MANE Select); coding-DNA positions 266 to 270, 5 bases duplicated (TTGAC; older notation c.266_270dupTTGAC).
Protein change: p.Glu91fs; shifts the reading frame from glutamic acid 91.
Molecular consequence: frameshift variant.
Genome position (GRCh38, 1-based): chr1:161,306,886-161,306,890, GTCAA duplicated on the plus strand (TTGAC on the coding strand, the reverse complement: MPZ is on the minus strand). VCF-style (leftmost placement, unchanged base first): chr1-161306885-C-CGTCAA. GRCh37 (hg19) VCF-style: chr1-161276675-C-CGTCAA.
Other names: c.266_270dup, p.Glu91fs (NM_001315491.2); short protein forms E91fs.
Identifiers: ClinVar variation 444185 (VCV000444185.50), dbSNP rs1553259697, ClinGen allele CA658653649.